The following is an entry in ClinVar:

ClinVar aggregate classification (germline): Likely benign. Review status: criteria provided, single submitter (1 of 4 stars). 2 submissions from 2 submitters: Likely benign (1). 1 of the submissions does not count toward it. Last evaluated 2024-02-16.

Conditions:
LMBRD1-related disorder. Also called: LMBRD1-related condition.
Methylmalonic aciduria and homocystinuria type cblF. Also called: COBALAMIN F DISEASE; COBALAMIN, DEFECT IN LYSOSOMAL RELEASE OF; METHYLMALONIC ACIDEMIA AND HOMOCYSTINURIA, cblF TYPE; METHYLMALONIC ACIDURIA DUE TO VITAMIN B12-RELEASE DEFECT; VITAMIN B12 LYSOSOMAL RELEASE DEFECT; VITAMIN B12 STORAGE DISEASE. Identifiers: Orphanet 79284, MedGen C1848578, MONDO:0010183, OMIM 277380.

Allele frequency attached by ClinVar (database versions not stated): gnomAD exomes below 0.00001.
gnomAD v4.1: 11 of 1,614,018 alleles (0.00068%); highest among the groups gnomAD compares: East Asian, 0.0022%; no homozygotes.

Submissions (2):

Labcorp Genetics (formerly Invitae), Labcorp
Classification: Likely benign for Methylmalonic aciduria and homocystinuria type cblF. Last evaluated: 2024-02-16. Review status: criteria provided, single submitter. Criteria: Invitae Variant Classification Sherloc (09022015). Collection method: clinical testing. Allele origin: germline.

PreventionGenetics, part of Exact Sciences
Classification: Likely benign for LMBRD1-related condition. Last evaluated: 2019-08-12. Review status: no assertion criteria provided. Collection method: clinical testing. Allele origin: germline. Not counted in ClinVar's aggregate classification.
Comment: This variant is classified as likely benign based on ACMG/AMP sequence variant interpretation guidelines (Richards et al. 2015 PMID: 25741868, with internal and published modifications).

NM_018368.4(LMBRD1):c.135C>T (p.Val45=)

Gene: LMBRD1 (LMBR1 domain containing 1; minus strand). Cytogenetic location: 6q13.
Variant type: single nucleotide variant.
Coding change: c.135C>T on transcript NM_018368.4 (MANE Select); coding-DNA position 135, C replaced by T.
Protein change: p.Val45=; no amino-acid change (valine 45 retained).
Molecular consequence: synonymous variant. On other transcripts: 5 prime UTR variant (3).
Genome position (GRCh38, 1-based): chr6:69,790,407, G>A on the plus strand (C>T on the coding strand, the complement: LMBRD1 is on the minus strand). VCF-style: chr6-69790407-G-A. GRCh37 (hg19) VCF-style: chr6-70500299-G-A.
Other names: c.-85C>T (NM_001363722.2, NM_001367271.1, NM_001367272.1); c.135C>T (NM_018368.3).
Identifiers: ClinVar variation 2741001 (VCV002741001.5), dbSNP rs1344639808, ClinGen allele CA450807527.